The following is an entry in ClinVar:

NM_000271.5(NPC1):c.3818A>G (p.Glu1273Gly)

Gene: NPC1 (NPC intracellular cholesterol transporter 1; minus strand). Cytogenetic location: 18q11.2.
Variant type: single nucleotide variant.
Coding change: c.3818A>G on transcript NM_000271.5 (MANE Select); coding-DNA position 3818, A replaced by G.
Protein change: p.Glu1273Gly; replaces glutamic acid 1273 with glycine.
Molecular consequence: missense variant.
Genome position (GRCh38, 1-based): chr18:23,532,221, T>C on the plus strand (A>G on the coding strand, the complement: NPC1 is on the minus strand). VCF-style: chr18-23532221-T-C. GRCh37 (hg19) VCF-style: chr18-21112185-T-C.
Other names: short protein forms E1273G.
Identifiers: ClinVar variation 1399763 (VCV001399763.8), dbSNP rs374032318, ClinGen allele CA8912630.

ClinVar aggregate classification (germline): Uncertain significance (1 of 4 stars; one submission).

Conditions:
Niemann-Pick disease, type C1. Also called: NIEMANN-PICK DISEASE, VARIANT TYPE C1; NEUROVISCERAL STORAGE DISEASE WITH VERTICAL SUPRANUCLEAR OPHTHALMOPLEGIA; NIEMANN-PICK DISEASE WITH CHOLESTEROL ESTERIFICATION BLOCK; NIEMANN-PICK DISEASE WITHOUT SPHINGOMYELINASE DEFICIENCY; NIEMANN-PICK DISEASE, CHRONIC NEURONOPATHIC FORM. Identifiers: Orphanet 646, MedGen C3179455, MONDO:0009757, OMIM 257220.

Allele frequency attached by ClinVar (database versions not stated): ExAC 0.00001; gnomAD exomes 0.00001 and 0.00002; gnomAD 0.00003; TOPMed 0.00004; ESP Exome Variant Server 0.00008.
gnomAD v4.1: 8 of 1,614,072 alleles (0.0005%); highest among the groups gnomAD compares: Admixed American, 0.013%; no homozygotes.

Submission:

Labcorp Genetics (formerly Invitae), Labcorp
Classification: Uncertain significance for Niemann-Pick disease, type C1. Last evaluated: 2022-07-05. Review status: criteria provided, single submitter. Criteria: Invitae Variant Classification Sherloc (09022015). Collection method: clinical testing. Allele origin: germline.
Comment: In summary, the available evidence is currently insufficient to determine the role of this variant in disease. Therefore, it has been classified as a Variant of Uncertain Significance. Algorithms developed to predict the effect of missense changes on protein structure and function (SIFT, PolyPhen-2, Align-GVGD) all suggest that this variant is likely to be tolerated. ClinVar contains an entry for this variant (Variation ID: 1399763). This variant has not been reported in the literature in individuals affected with NPC1-related conditions. This variant is present in population databases (rs374032318, gnomAD 0.01%). This sequence change replaces glutamic acid, which is acidic and polar, with glycine, which is neutral and non-polar, at codon 1273 of the NPC1 protein (p.Glu1273Gly).